The following is an entry in ClinVar:

NM_001242957.3(MAK):c.1607T>C (p.Ile536Thr)

Gene: MAK (male germ cell associated kinase; minus strand). Cytogenetic location: 6p24.2.
Variant type: single nucleotide variant.
Coding change: c.1607T>C on transcript NM_001242957.3 (MANE Select); coding-DNA position 1607, T replaced by C.
Protein change: p.Ile536Thr; replaces isoleucine 536 with threonine.
Molecular consequence: missense variant. On other transcripts: intron variant (3).
Genome position (GRCh38, 1-based): chr6:10,773,099, A>G on the plus strand (T>C on the coding strand, the complement: MAK is on the minus strand). VCF-style: chr6-10773099-A-G. GRCh37 (hg19) VCF-style: chr6-10773332-A-G.
Other names: c.1495+2229T>C (NM_001377262.1); c.1597+2229T>C (NM_005906.6, NM_001242385.2); short protein forms I536T.
Identifiers: ClinVar variation 1519748 (VCV001519748.4), dbSNP rs980783067, ClinGen allele CA134100524.

ClinVar aggregate classification (germline): Uncertain significance. Review status: criteria provided, multiple submitters, no conflicts (2 of 4 stars). 2 submissions from 2 submitters: Uncertain significance (2). Last evaluated 2024-10-28.

Allele frequency attached by ClinVar (database versions not stated): gnomAD exomes below 0.00001 and 0.00001; gnomAD 0.00001; TOPMed 0.00001.
gnomAD v4.1: 8 of 1,509,654 alleles (0.00053%); highest among the groups gnomAD compares: South Asian, 0.0012%; no homozygotes.

Submissions (2):

Blueprint Genetics
Classification: Uncertain significance. Last evaluated: 2024-10-28. Review status: criteria provided, single submitter. Criteria: ACMG Guidelines, 2015. Collection method: clinical testing. Allele origin: germline.

Labcorp Genetics (formerly Invitae), Labcorp
Classification: Uncertain significance. Last evaluated: 2022-08-31. Review status: criteria provided, single submitter. Criteria: Invitae Variant Classification Sherloc (09022015). Collection method: clinical testing. Allele origin: germline.
Comment: This sequence change replaces isoleucine, which is neutral and non-polar, with threonine, which is neutral and polar, at codon 536 of the MAK protein (p.Ile536Thr). This variant is present in population databases (no rsID available, gnomAD 0.002%). This variant has not been reported in the literature in individuals affected with MAK-related conditions. ClinVar contains an entry for this variant (Variation ID: 1519748). Advanced modeling of protein sequence and biophysical properties (such as structural, functional, and spatial information, amino acid conservation, physicochemical variation, residue mobility, and thermodynamic stability) performed at Invitae indicates that this missense variant is not expected to disrupt MAK protein function. Algorithms developed to predict the effect of sequence changes on RNA splicing suggest that this variant may create or strengthen a splice site. In summary, the available evidence is currently insufficient to determine the role of this variant in disease. Therefore, it has been classified as a Variant of Uncertain Significance.